The following is an entry in ClinVar:

ClinVar aggregate classification (germline): Uncertain significance. Review status: criteria provided, multiple submitters, no conflicts (2 of 4 stars). 3 submissions from 3 submitters: Uncertain significance (3). Last evaluated 2025-02-21.

Conditions:
Inborn genetic diseases. Identifiers: MedGen C0950123, MeSH D030342.
Hypogonadotropic hypogonadism 11 with or without anosmia (HH11). Also called: TACR3-Related GnRH Deficiency; HYPOGONADOTROPIC HYPOGONADISM 11 WITHOUT ANOSMIA. Identifiers: Orphanet 478, MedGen C3553844, MONDO:0013913, OMIM 614840.

gnomAD v4.1: 4 of 1,613,772 alleles (0.00025%); highest among the groups gnomAD compares: East Asian, 0.0022%; no homozygotes.

Submissions (3):

Ambry Genetics
Classification: Uncertain significance for Inborn genetic diseases. Last evaluated: 2025-02-21. Review status: criteria provided, single submitter. Criteria: Ambry Variant Classification Scheme 2023. Collection method: clinical testing. Allele origin: germline.

Neuberg Centre For Genomic Medicine, NCGM
Classification: Uncertain significance for Hypogonadotropic hypogonadism 11 with or without anosmia. Last evaluated: 2023-06-22. Review status: criteria provided, single submitter. Criteria: ACMG Guidelines, 2015. Collection method: clinical testing. Allele origin: germline. Inheritance: Autosomal recessive inheritance. Affected: yes.
Comment: The observed missense variant c.947A>G(p.His316Arg) in TACR3 gene has not been reported previously as a pathogenic variant nor as a benign variant, to our knowledge. The (p.His316Arg) variant is absent in gnomAD Exomes. The amino acid His at position 316 is changed to a Arg changing protein sequence and it might alter its composition and physico-chemical properties. Multiple lines of computational evidence (Polyphen-probably damaging, SIFT-damaging and Mutation Taster-disease causing) predict a damaging effect on protein structure and function for this variant. The reference amino acid p.His316Arg in TACR3 is predicted as conserved by GERP++ and PhyloP across 100 vertebrates. For these reasons, this variant has been classified as Uncertain Significance.

Blueprint Genetics
Classification: Uncertain significance. Last evaluated: 2021-06-21. Review status: criteria provided, single submitter. Criteria: ACMG Guidelines, 2015. Collection method: clinical testing. Allele origin: germline.

NM_001059.3(TACR3):c.947A>G (p.His316Arg)

Genes: TACR3 (tachykinin receptor 3; minus strand), TACR3-AS1 (TACR3 antisense RNA 1; plus strand). Cytogenetic location: 4q24.
Variant type: single nucleotide variant.
Coding change: c.947A>G on transcript NM_001059.3 (MANE Select); coding-DNA position 947, A replaced by G.
Protein change: p.His316Arg; replaces histidine 316 with arginine.
Molecular consequence: missense variant.
Genome position (GRCh38, 1-based): chr4:103,591,625, T>C on the plus strand (A>G on the coding strand, the complement: TACR3 is on the minus strand). VCF-style: chr4-103591625-T-C. GRCh37 (hg19) VCF-style: chr4-104512782-T-C.
Other names: short protein forms H316R.
Identifiers: ClinVar variation 3377641 (VCV003377641.3).
Genomic context (GRCh38, chr4:103,591,625, plus strand): 5'-TGCTGGATGTATTTCCATCTATTTAGTTGTTGATAGATTGCAGTGAGAATGAAGTAAATA[T>C]GATAGGGCAGCCAGCAGATAGCAAATGTCATGACAACAATAATCATCATTTTGACAACCT-3'
Protein context (NP_001050.1, residues 306-326): MTFAICWLPY[His316Arg]IYFILTAIYQ